The following is an entry in ClinVar:

NM_003816.3(ADAM9):c.887G>A (p.Arg296Gln)

Gene: ADAM9 (ADAM metallopeptidase domain 9; plus strand). Cytogenetic location: 8p11.22.
Variant type: single nucleotide variant.
Coding change: c.887G>A on transcript NM_003816.3 (MANE Select); coding-DNA position 887, G replaced by A.
Protein change: p.Arg296Gln; replaces arginine 296 with glutamine.
Molecular consequence: missense variant. On other transcripts: non-coding transcript variant (3).
Genome position (GRCh38, 1-based): chr8:39,023,298, G>A. VCF-style: chr8-39023298-G-A. GRCh37 (hg19) VCF-style: chr8-38880817-G-A.
Other names: short protein forms R296Q.
Identifiers: ClinVar variation 775265 (VCV000775265.16), dbSNP rs140082569, ClinGen allele CA4721468.
Genomic context (GRCh38, chr8:39,023,298, plus strand): 5'-GTGCTGGTGATGTGCTGGGGAACTTCGTGCAGTGGCGGGAAAAGTTTCTTATCACACGTC[G>A]GAGACATGACAGTGCACAGCTAGTTCTGTAAGTATTTTTTTTTTAAGTACTATTAATGAA-3'
Protein context (NP_003807.1, residues 286-306): QWREKFLITR[Arg296Gln]RHDSAQLVLK

ClinVar aggregate classification (germline): Benign/Likely benign. Review status: criteria provided, multiple submitters, no conflicts (2 of 4 stars). 4 submissions from 4 submitters: Benign (1); Likely benign (2). 1 of the submissions does not count toward it. Last evaluated 2026-01-21.

Conditions:
Cone-rod dystrophy 9 (CORD9). Identifiers: Orphanet 1872, MedGen C1423873, MONDO:0013002, OMIM 612775.
ADAM9-related disorder. Also called: ADAM9-related condition.

Allele frequency attached by ClinVar (database versions not stated): gnomAD 0.00016 and 0.00040; TOPMed 0.00021; ESP Exome Variant Server 0.00031; gnomAD exomes 0.00081 and 0.00137; ExAC 0.00165; 1000 Genomes Project 30x 0.00250; 1000 Genomes Project 0.00300.
gnomAD v4.1: 1,244 of 1,613,102 alleles (0.077%); highest among the groups gnomAD compares: South Asian, 1%; 10 homozygotes.

Submissions (4):

Labcorp Genetics (formerly Invitae), Labcorp
Classification: Benign. Last evaluated: 2026-01-21. Review status: criteria provided, single submitter. Criteria: Invitae Variant Classification Sherloc (09022015). Collection method: clinical testing. Allele origin: germline.

Blueprint Genetics
Classification: Likely benign. Last evaluated: 2024-11-06. Review status: criteria provided, single submitter. Criteria: ACMG Guidelines, 2015. Collection method: clinical testing. Allele origin: germline.

Illumina Laboratory Services, Illumina
Classification: Likely benign for Cone-rod dystrophy 9. Last evaluated: 2017-04-27. Review status: criteria provided, single submitter. Criteria: ICSL Variant Classification Criteria 13 December 2019. Collection method: clinical testing. Allele origin: germline.
Comment: This variant was observed as part of a predisposition screen in an ostensibly healthy population. A literature search was performed for the gene, cDNA change, and amino acid change (where applicable). No publications were found based on this search. Allele frequency data from public databases allowed determination this variant is unlikely to cause disease. Therefore, this variant is classified as likely benign.

PreventionGenetics, part of Exact Sciences
Classification: Benign for ADAM9-related condition. Last evaluated: 2019-07-03. Review status: no assertion criteria provided. Collection method: clinical testing. Allele origin: germline. Not counted in ClinVar's aggregate classification.
Comment: This variant is classified as benign based on ACMG/AMP sequence variant interpretation guidelines (Richards et al. 2015 PMID: 25741868, with internal and published modifications).